The following is an entry in ClinVar:

NM_006206.6(PDGFRA):c.40C>T (p.Leu14Phe)

Gene: PDGFRA (platelet derived growth factor receptor alpha; plus strand). Cytogenetic location: 4q12.
Variant type: single nucleotide variant.
Coding change: c.40C>T on transcript NM_006206.6 (MANE Select); coding-DNA position 40, C replaced by T.
Protein change: p.Leu14Phe; replaces leucine 14 with phenylalanine.
Molecular consequence: missense variant.
Genome position (GRCh38, 1-based): chr4:54,258,808, C>T. VCF-style: chr4-54258808-C-T. GRCh37 (hg19) VCF-style: chr4-55124975-C-T.
Other names: c.40C>T, p.Leu14Phe (NM_001347827.2, NM_001347829.2); c.115C>T, p.Leu39Phe (NM_001347828.2); c.79C>T, p.Leu27Phe (NM_001347830.2); short protein forms L27F, L14F, L39F.
Identifiers: ClinVar variation 855876 (VCV000855876.19), dbSNP rs1722520036, ClinGen allele CA356888113.

ClinVar aggregate classification (germline): Uncertain significance. Review status: criteria provided, multiple submitters, no conflicts (2 of 4 stars). 2 submissions from 2 submitters: Uncertain significance (2). Last evaluated 2023-05-19.

Conditions:
Gastrointestinal stromal tumor. Also called: Gastrointestinal stromal tumor, somatic; Gastrointestinal stroma tumor. Identifiers: Orphanet 44890, MedGen C0238198, MeSH D046152, MONDO:0011719, OMIM 606764, HP:0100723.
Polyps, multiple and recurrent inflammatory fibroid, gastrointestinal. Identifiers: MedGen C5193005, MONDO:0008285, OMIM 175510.

Allele frequency attached by ClinVar (database versions not stated): gnomAD exomes below 0.00001.
gnomAD v4.1: 1 of 1,613,696 alleles (0.000062%); highest among the groups gnomAD compares: Non-Finnish European, 0.000085%; no homozygotes.

Submissions (2):

Baylor Genetics
Classification: Uncertain significance for Polyps, multiple and recurrent inflammatory fibroid, gastrointestinal. Last evaluated: 2023-05-19. Review status: criteria provided, single submitter. Criteria: ACMG Guidelines, 2015. Collection method: clinical testing. Allele origin: unknown.

Labcorp Genetics (formerly Invitae), Labcorp
Classification: Uncertain significance for Gastrointestinal stromal tumor. Last evaluated: 2022-08-23. Review status: criteria provided, single submitter. Criteria: Invitae Variant Classification Sherloc (09022015). Collection method: clinical testing. Allele origin: germline.
Comment: ClinVar contains an entry for this variant (Variation ID: 855876). In summary, the available evidence is currently insufficient to determine the role of this variant in disease. Therefore, it has been classified as a Variant of Uncertain Significance. Algorithms developed to predict the effect of missense changes on protein structure and function are either unavailable or do not agree on the potential impact of this missense change (SIFT: "Tolerated"; PolyPhen-2: "Probably Damaging"; Align-GVGD: "Class C0"). This variant has not been reported in the literature in individuals affected with PDGFRA-related conditions. This variant is not present in population databases (gnomAD no frequency). This sequence change replaces leucine, which is neutral and non-polar, with phenylalanine, which is neutral and non-polar, at codon 14 of the PDGFRA protein (p.Leu14Phe).